The following is an entry in ClinVar:

ClinVar aggregate classification (germline): Uncertain significance (1 of 4 stars; one submission).

Conditions:
Hereditary cancer-predisposing syndrome. Also called: Hereditary Cancer Syndrome; Hereditary neoplastic syndrome; Neoplastic Syndromes, Hereditary; Tumor predisposition. Identifiers: Orphanet 140162, MedGen C0027672, MeSH D009386, MONDO:0015356.

Submission:

Ambry Genetics
Classification: Uncertain significance for Hereditary cancer-predisposing syndrome. Last evaluated: 2022-06-16. Review status: criteria provided, single submitter. Criteria: Ambry Variant Classification Scheme 2023. Collection method: clinical testing. Allele origin: germline.
Comment: The p.W142G variant (also known as c.424T>G), located in coding exon 2 of the MSH6 gene, results from a T to G substitution at nucleotide position 424. The tryptophan at codon 142 is replaced by glycine, an amino acid with highly dissimilar properties. This amino acid position is conserved. In addition, this alteration is predicted to be deleterious by in silico analysis. Since supporting evidence is limited at this time, the clinical significance of this alteration remains unclear.

NM_000179.3(MSH6):c.424T>G (p.Trp142Gly)

Gene: MSH6 (mutS homolog 6; plus strand). Cytogenetic location: 2p16.3.
Variant type: single nucleotide variant.
Coding change: c.424T>G on transcript NM_000179.3 (MANE Select); coding-DNA position 424, T replaced by G.
Protein change: p.Trp142Gly; replaces tryptophan 142 with glycine.
Molecular consequence: missense variant. On other transcripts: 5 prime UTR variant (2), intron variant (1).
Genome position (GRCh38, 1-based): chr2:47,791,090, T>G. VCF-style: chr2-47791090-T-G. GRCh37 (hg19) VCF-style: chr2-48018229-T-G.
Other names: c.-313T>G (NM_001281493.2, NM_001406811.1, NM_001406823.1 and 1 more transcripts); c.-479T>G (NM_001281494.2); c.520T>G, p.Trp174Gly (NM_001406795.1, NM_001406802.1); c.424T>G, p.Trp142Gly (NM_001406796.1, NM_001406798.1, NM_001406800.1 and 6 more transcripts); c.127T>G, p.Trp43Gly (NM_001406797.1, NM_001406801.1, NM_001406805.1 and 10 more transcripts); c.346T>G, p.Trp116Gly (NM_001406804.1); c.-505T>G (NM_001406807.1); c.-571T>G (NM_001406814.1); and 2 more; short protein forms W43G, W116G, W174G, W142G, W86G.
Identifiers: ClinVar variation 1739086 (VCV001739086.2), dbSNP rs2530439480, ClinGen allele CA346737142.